The following is an entry in ClinVar:

NM_001369623.2(PI4KB):c.1541T>A (p.Leu514Gln)

Gene: PI4KB (phosphatidylinositol 4-kinase beta; minus strand). Cytogenetic location: 1q21.3.
Variant type: single nucleotide variant.
Coding change: c.1541T>A on transcript NM_001369623.2 (MANE Select); coding-DNA position 1541, T replaced by A.
Protein change: p.Leu514Gln; replaces leucine 514 with glutamine.
Molecular consequence: missense variant.
Genome position (GRCh38, 1-based): chr1:151,302,278, A>T on the plus strand (T>A on the coding strand, the complement: PI4KB is on the minus strand). VCF-style: chr1-151302278-A-T. GRCh37 (hg19) VCF-style: chr1-151274754-A-T.
Other names: c.1496T>A, p.Leu499Gln (NM_001198773.3, NM_001198774.2, NM_001369624.1); c.545T>A, p.Leu182Gln (NM_001198775.3); c.1541T>A, p.Leu514Gln (NM_001330721.2, NM_001369626.1, NM_001369629.2); c.1532T>A, p.Leu511Gln (NM_001369625.1, NM_001369628.1); c.1577T>A, p.Leu526Gln (NM_002651.4); short protein forms L182Q, L514Q, L526Q, L511Q, L499Q.
Identifiers: ClinVar variation 4991168 (VCV004991168.1).

ClinVar aggregate classification (germline): Uncertain significance (1 of 4 stars; one submission).

Conditions:
PI4KB-related disorder. Also called: PI4KB-related condition.

gnomAD v4.1: 2 of 1,614,116 alleles (0.00012%); highest among the groups gnomAD compares: Non-Finnish European, 0.00017%; no homozygotes.

Submission:

PreventionGenetics, part of Exact Sciences
Classification: Uncertain significance for PI4KB-related condition. Last evaluated: 2025-11-14. Review status: criteria provided, single submitter. Criteria: ACMG Guidelines, 2015. Collection method: clinical testing. Allele origin: germline.
Comment: The PI4KB c.1577T>A variant is predicted to result in the amino acid substitution p.Leu526Gln. To our knowledge, this variant has not been reported in the literature. This variant is reported in 0.0018% of alleles in individuals of European (Non-Finnish) descent in gnomAD. At this time, the clinical significance of this variant is uncertain due to the absence of conclusive functional and genetic evidence.